The following is an entry in ClinVar:

ClinVar aggregate classification (germline): Uncertain significance (1 of 4 stars; one submission).

Conditions:
Xeroderma pigmentosum, group F (XPF). Also called: XERODERMA PIGMENTOSUM, COMPLEMENTATION GROUP F; XERODERMA PIGMENTOSUM, TYPE F; Xeroderma pigmentosum, type 6; XERODERMA PIGMENTOSUM VI; XP, GROUP F; ERCC4-Related Xeroderma Pigmentosum. Identifiers: MedGen C0268140, MONDO:0010215, OMIM 278760.
Fanconi anemia complementation group Q. Identifiers: Orphanet 84, MedGen C3808988, MONDO:0014108, OMIM 615272.
Cockayne syndrome. Identifiers: Orphanet 191, MedGen C0009207, MONDO:0016006.

Allele frequency attached by ClinVar (database versions not stated): ExAC 0.00001; gnomAD 0.00003; TOPMed 0.00003.
gnomAD v4.1: 7 of 1,613,502 alleles (0.00043%); highest among the groups gnomAD compares: African/African-American, 0.0053%; no homozygotes.

Submission:

Labcorp Genetics (formerly Invitae), Labcorp
Classification: Uncertain significance for Fanconi anemia complementation group Q; Xeroderma pigmentosum, group F; Cockayne syndrome. Last evaluated: 2022-12-28. Review status: criteria provided, single submitter. Criteria: Invitae Variant Classification Sherloc (09022015). Collection method: clinical testing. Allele origin: germline.
Comment: This variant is present in population databases (rs763208431, gnomAD 0.01%). This sequence change replaces glycine, which is neutral and non-polar, with alanine, which is neutral and non-polar, at codon 105 of the ERCC4 protein (p.Gly105Ala). This variant has not been reported in the literature in individuals affected with ERCC4-related conditions. In summary, the available evidence is currently insufficient to determine the role of this variant in disease. Therefore, it has been classified as a Variant of Uncertain Significance. Advanced modeling of protein sequence and biophysical properties (such as structural, functional, and spatial information, amino acid conservation, physicochemical variation, residue mobility, and thermodynamic stability) performed at Invitae indicates that this missense variant is expected to disrupt ERCC4 protein function.

NM_005236.3(ERCC4):c.314G>C (p.Gly105Ala)

Gene: ERCC4 (ERCC excision repair 4, endonuclease catalytic subunit; plus strand). Cytogenetic location: 16p13.12.
Variant type: single nucleotide variant.
Coding change: c.314G>C on transcript NM_005236.3 (MANE Select); coding-DNA position 314, G replaced by C.
Protein change: p.Gly105Ala; replaces glycine 105 with alanine.
Molecular consequence: missense variant.
Genome position (GRCh38, 1-based): chr16:13,922,137, G>C. VCF-style: chr16-13922137-G-C. GRCh37 (hg19) VCF-style: chr16-14015994-G-C.
Other names: short protein forms G105A.
Identifiers: ClinVar variation 2933213 (VCV002933213.3), dbSNP rs763208431, ClinGen allele CA7910150.
Genomic context (GRCh38, chr16:13,922,137, plus strand): 5'-CTCGCCGTGTAACAAATGAAATCACAAGCAACAGTCGCTATGAAGTTTACACACAAGGTG[G>C]TGTTATATTTGCGACAAGTAGGATACTTGTGGTTGACTTCTTGACTGATAGAATACCTTC-3'
Protein context (NP_005227.1, residues 95-115): NSRYEVYTQG[Gly105Ala]VIFATSRILV